The following is an entry in ClinVar:

NM_000179.3(MSH6):c.687_689del (p.Glu230del)

Gene: MSH6 (mutS homolog 6; plus strand). Cytogenetic location: 2p16.3.
Variant type: Deletion.
Coding change: c.687_689del on transcript NM_000179.3 (MANE Select); coding-DNA positions 687 to 689, 3 bases deleted (GGA; older notation c.687_689delGGA).
Protein change: p.Glu230del; deletes glutamic acid 230.
Molecular consequence: inframe deletion. On other transcripts: 5 prime UTR variant (9), non-coding transcript variant (4), intron variant (1).
Genome position (GRCh38, 1-based): chr2:47,798,670-47,798,672, GGA deleted; deleting any 3 consecutive bases within chr2:47,798,668-47,798,672 gives the same sequence; the c. name uses the placement nearest the transcript's 3' end. VCF-style (leftmost placement, unchanged base first): chr2-47798667-AGAG-A. GRCh37 (hg19) VCF-style: chr2-48025806-AGAG-A.
Other names: c.162_164del, p.Glu55del (NM_001406806.1, NM_001406807.1, NM_001406799.1); c.687_689del, p.Glu230del (NM_001406808.1, NM_001406809.1, NM_001406817.1 and 4 more transcripts); c.-220_-218del (NM_001406811.1, NM_001406812.1, NM_001406814.1 and 6 more transcripts); c.693_695del, p.Glu232del (NM_001406813.1); c.390_392del, p.Glu131del (NM_001406818.1, NM_001406819.1, NM_001406821.1 and 10 more transcripts); c.297_299del, p.Glu100del (NM_001281492.2); c.783_785del, p.Glu262del (NM_001406795.1, NM_001406802.1); c.609_611del, p.Glu204del (NM_001406804.1); and 2 more; short protein forms E100del, E174del, E55del, E131del, E232del, E262del, E204del, E230del.
Identifiers: ClinVar variation 4657777 (VCV004657777.1).

ClinVar aggregate classification (germline): Uncertain significance (1 of 4 stars; one submission).

Conditions:
Hereditary cancer-predisposing syndrome. Also called: Neoplastic Syndromes, Hereditary; Tumor predisposition; Hereditary Cancer Syndrome; Hereditary neoplastic syndrome. Identifiers: Orphanet 140162, MedGen C0027672, MeSH D009386, MONDO:0015356.

Submission:

Ambry Genetics
Classification: Uncertain significance for Hereditary cancer-predisposing syndrome. Last evaluated: 2025-10-16. Review status: criteria provided, single submitter. Criteria: Ambry Variant Classification Scheme 2023. Collection method: clinical testing. Allele origin: germline.
Comment: The c.687_689delGGA variant (also known as p.E230del) is located in coding exon 4 of the MSH6 gene. This variant results from an in-frame GGA deletion at nucleotide positions 687 to 689. This results in the in-frame deletion of a glutamic acid at codon 230. This amino acid position is well conserved in available vertebrate species. In addition, the in silico prediction for this alteration is inconclusive. Based on the available evidence, the clinical significance of this variant remains unclear.